The following is an entry in ClinVar:

NM_030632.3(ASXL3):c.3894dup (p.Cys1299fs)

Gene: ASXL3 (ASXL transcriptional regulator 3; plus strand). Cytogenetic location: 18q12.1.
Variant type: Duplication.
Coding change: c.3894dup on transcript NM_030632.3 (MANE Select); coding-DNA position 3894, one base duplicated (A; older notation c.3894dupA).
Protein change: p.Cys1299fs; shifts the reading frame from cysteine 1299.
Molecular consequence: frameshift variant.
Genome position (GRCh38, 1-based): chr18:33,743,742, A duplicated; the last of 4 consecutive A bases (chr18:33,743,739-33,743,742); duplicating any one gives the same sequence. VCF-style (leftmost placement, unchanged base first): chr18-33743738-C-CA. GRCh37 (hg19) VCF-style: chr18-31323702-C-CA.
Other names: short protein forms C1299fs.
Identifiers: ClinVar variation 1801819 (VCV001801819.2), dbSNP rs2510926754, ClinGen allele CA2580095659.

ClinVar aggregate classification (germline): Likely pathogenic (1 of 4 stars; one submission).

Conditions:
Bainbridge-Ropers syndrome. Also called: Severe feeding difficulties-failure to thrive-microcephaly due to ASXL3 deficiency syndrome. Identifiers: Orphanet 352577, MedGen C4750837, MONDO:0014205, OMIM 615485.

Submission:

Institute of Human Genetics, University of Goettingen
Classification: Likely pathogenic for Bainbridge-Ropers syndrome. Last evaluated: 2022-11-24. Review status: criteria provided, single submitter. Criteria: ACMG Guidelines, 2015. Collection method: clinical testing. Allele origin: unknown. Inheritance: Sporadic. Affected: yes. Observed: 1 heterozygote.
Comment: The variant c.3894dup (p.(Cys1299Metfs*3)) in exon 12 of the ASXL3 gene is not found in the gnomAD database and it creates a frame shift starting at codon Cys1299. The new reading frame ends in a STOP codon at position 3. ACMG criteria used for classification: PVS1_strg, PM2.